The following is an entry in ClinVar:

NM_001042492.3(NF1):c.1494del (p.Lys498fs)

Gene: NF1 (neurofibromin 1; plus strand). Cytogenetic location: 17q11.2.
Variant type: Deletion.
Coding change: c.1494del on transcript NM_001042492.3 (MANE Select); coding-DNA position 1494, one base deleted (A; older notation c.1494delA).
Protein change: p.Lys498fs; shifts the reading frame from lysine 498.
Molecular consequence: frameshift variant.
Genome position (GRCh38, 1-based): chr17:31,214,552, A deleted; the last of 3 consecutive A bases (chr17:31,214,550-31,214,552); deleting any one gives the same sequence. VCF-style (leftmost placement, unchanged base first): chr17-31214549-GA-G. GRCh37 (hg19) VCF-style: chr17-29541567-GA-G.
Other names: c.1494delA, p.Lys498Asnfs (NM_000267.4); c.1494del, p.Lys498fs (NM_001128147.3); short protein forms K498fs.
Identifiers: ClinVar variation 1452762 (VCV001452762.6), dbSNP rs2143960130, ClinGen allele CA2573153644.

ClinVar aggregate classification (germline): Pathogenic (1 of 4 stars; one submission).

Conditions:
Neurofibromatosis, type 1 (NF1). Also called: Neurofibromatosis, type I; VON RECKLINGHAUSEN DISEASE; NEUROFIBROMATOSIS, TYPE I, SOMATIC; Peripheral type neurofibromatosis. Identifiers: Orphanet 636, MedGen C0027831, MONDO:0018975, OMIM 162200. Disease mechanism: loss of function.

Submission:

Labcorp Genetics (formerly Invitae), Labcorp
Classification: Pathogenic for Neurofibromatosis, type 1. Last evaluated: 2025-02-27. Review status: criteria provided, single submitter. Criteria: Invitae Variant Classification Sherloc (09022015). Collection method: clinical testing. Allele origin: germline.
Comment: This sequence change creates a premature translational stop signal (p.Lys498Asnfs*2) in the NF1 gene. It is expected to result in an absent or disrupted protein product. Loss-of-function variants in NF1 are known to be pathogenic (PMID: 10712197, 23913538). This variant is not present in population databases (gnomAD no frequency). This variant has not been reported in the literature in individuals affected with NF1-related conditions. ClinVar contains an entry for this variant (Variation ID: 1452762). For these reasons, this variant has been classified as Pathogenic.

Literature cited by the submitters: PubMed 10712197; PubMed 23913538.